The following is an entry in ClinVar:

NM_001378454.1(ALMS1):c.6372del (p.Pro2125fs)

Gene: ALMS1 (ALMS1 centrosome and basal body associated protein; plus strand). Cytogenetic location: 2p13.1.
Variant type: Deletion.
Coding change: c.6372del on transcript NM_001378454.1 (MANE Select); coding-DNA position 6372, one base deleted (T; older notation c.6372delT).
Protein change: p.Pro2125fs; shifts the reading frame from proline 2125.
Molecular consequence: frameshift variant.
Genome position (GRCh38, 1-based): chr2:73,452,899, T deleted; the last of 2 consecutive T bases (chr2:73,452,898-73,452,899); deleting either gives the same sequence. VCF-style (leftmost placement, unchanged base first): chr2-73452897-AT-A. GRCh37 (hg19) VCF-style: chr2-73680024-AT-A.
Other names: c.6375delT (NM_015120.4); c.6375del, p.Pro2126fs (NM_015120.4); short protein forms P2126fs, P2125fs.
Identifiers: ClinVar variation 529396 (VCV000529396.6), dbSNP rs1553404220, ClinGen allele CA658795816.

ClinVar aggregate classification (germline): Pathogenic (1 of 4 stars; one submission).

Conditions:
Alstrom syndrome (ALMS). Identifiers: Orphanet 64, MedGen C0268425, MONDO:0008763, OMIM 203800.

Submission:

Labcorp Genetics (formerly Invitae), Labcorp
Classification: Pathogenic for Alstrom syndrome. Last evaluated: 2017-11-16. Review status: criteria provided, single submitter. Criteria: Invitae Variant Classification Sherloc (09022015). Collection method: clinical testing. Allele origin: germline.
Comment: For these reasons, this variant has been classified as Pathogenic. Loss-of-function variants in ALMS1 are known to be pathogenic (PMID: 17594715). This variant has not been reported in the literature in individuals with ALMS1-related disease. This variant is not present in population databases (ExAC no frequency). This sequence change creates a premature translational stop signal (p.Pro2126Leufs*37) in the ALMS1 gene. It is expected to result in an absent or disrupted protein product.

Literature cited by the submitters: PubMed 17594715.